The following is an entry in ClinVar:

ClinVar aggregate classification (germline): Likely benign. Review status: criteria provided, multiple submitters, no conflicts (2 of 4 stars). 2 submissions from 2 submitters: Likely benign (2). Last evaluated 2025-08-31.

Conditions:
Oligodontia-cancer predisposition syndrome. Also called: TOOTH AGENESIS-COLORECTAL CANCER SYNDROME. Identifiers: Orphanet 300576, MedGen C1837750, MONDO:0012075, OMIM 608615. Disease mechanism: loss of function.

gnomAD v4.1: 1 of 1,611,702 alleles (0.000062%); no homozygotes.

Submissions (2):

Labcorp Genetics (formerly Invitae), Labcorp
Classification: Likely benign for Oligodontia-cancer predisposition syndrome. Last evaluated: 2025-08-31. Review status: criteria provided, single submitter. Criteria: Invitae Variant Classification Sherloc (09022015). Collection method: clinical testing. Allele origin: germline.

Myriad Genetics, Inc.
Classification: Likely benign for Oligodontia-cancer predisposition syndrome. Last evaluated: 2024-07-09. Review status: criteria provided, single submitter. Criteria: Myriad Autosomal Dominant, Autosomal Recessive and X-Linked Classification Criteria (2023). Collection method: clinical testing. Allele origin: unknown.
Comment: This variant is considered likely benign. This variant is intronic and is not expected to impact mRNA splicing.

NM_004655.4(AXIN2):c.2142-13G>A

Gene: AXIN2 (axin 2; minus strand). Cytogenetic location: 17q24.1.
Variant type: single nucleotide variant.
Coding change: c.2142-13G>A on transcript NM_004655.4 (MANE Select); 13 bases into the intron before coding-DNA position 2142, G replaced by A.
Molecular consequence: intron variant.
Genome position (GRCh38, 1-based): chr17:65,535,734, C>T on the plus strand (G>A on the coding strand, the complement: AXIN2 is on the minus strand). VCF-style: chr17-65535734-C-T. GRCh37 (hg19) VCF-style: chr17-63531852-C-T.
Other names: c.1947-13G>A (NM_001363813.1).
Identifiers: ClinVar variation 1597884 (VCV001597884.9), dbSNP rs1056425344, ClinGen allele CA2573154700.